The following is an entry in ClinVar:

NM_007194.4(CHEK2):c.1462-10_1472del

Gene: CHEK2 (checkpoint kinase 2; minus strand). Cytogenetic location: 22q12.1.
Variant type: Deletion.
Coding change: c.1462-10_1472del on transcript NM_007194.4 (MANE Select); 10 bases into the intron before coding-DNA position 1462 through coding-DNA position 1472, 21 bases deleted (TCCCTCACAGGATGAAGACAT).
Molecular consequence: splice acceptor variant.
Genome position (GRCh38, 1-based): chr22:28,689,205-28,689,225, ATGTCTTCATCCTGTGAGGGA deleted on the plus strand (TCCCTCACAGGATGAAGACAT on the coding strand, the reverse complement: CHEK2 is on the minus strand); deleting any 21 consecutive bases within chr22:28,689,205-28,689,227 gives the same sequence; the c. name uses the placement nearest the transcript's 3' end. VCF-style (leftmost placement, unchanged base first): chr22-28689204-CATGTCTTCATCCTGTGAGGGA-C. GRCh37 (hg19) VCF-style: chr22-29085192-CATGTCTTCATCCTGTGAGGGA-C.
Other names: c.799-10_809del (NM_001437942.1, NM_001257387.3); c.1261-10_1271del (NM_001349956.3); c.1375-10_1385del (NM_145862.3); c.1468-10_1478del (NM_001438295.1); c.1555-10_1565del (NM_001438293.1); c.1504-10_1514del (NM_001438294.1); c.1591-10_1601del (NM_001005735.3).
Identifiers: ClinVar variation 1773175 (VCV001773175.2), dbSNP rs2517758511, ClinGen allele CA2580099541.
Genomic context (GRCh38, chr22:28,689,204, plus strand): 5'-AACCTGGGGTAGAGCTGTGGATTCATTTTCCTCAGACAGAAGATCTTGAAACTTTCTCTT[CATGTCTTCATCCTGTGAGGGA>C]ATTAAAAACATAAGTAGCTGTGTCTGAAGGATAATAAACTCCTAGAATGACAGGGCTAGC-3'

ClinVar aggregate classification (germline): Likely pathogenic (1 of 4 stars; one submission).

Conditions:
Hereditary cancer-predisposing syndrome. Also called: Hereditary Cancer Syndrome; Hereditary neoplastic syndrome; Neoplastic Syndromes, Hereditary; Tumor predisposition. Identifiers: Orphanet 140162, MedGen C0027672, MeSH D009386, MONDO:0015356.

Submission:

Ambry Genetics
Classification: Likely pathogenic for Hereditary cancer-predisposing syndrome. Last evaluated: 2018-09-04. Review status: criteria provided, single submitter. Criteria: Ambry Variant Classification Scheme 2023. Collection method: clinical testing. Allele origin: germline.
Comment: The c.1462-10_1472DEL21 alteration is a deletion located in intron 13 and extending into coding exon 14. This results in the deletion of a total of 21 nucleotides, including the 10 nucleotides of the intron and the first 11 nucleotides of coding exon 14. This nucleotide region is well conserved in available vertebrate species. Using the BDGP and ESEfinder splice site prediction tools, this alteration is predicted to abolish the native acceptor splice site; however, direct evidence is unavailable. Alterations that disrupt the canonical splice site are expected to cause aberrant splicing, resulting in an abnormal protein or a transcript that is subject to nonsense-mediated mRNA decay. As such, this alteration is classified as likely pathogenic.